The following is an entry in ClinVar:

NM_025137.4(SPG11):c.3176C>T (p.Ala1059Val)

Gene: SPG11 (SPG11 vesicle trafficking associated, spatacsin; minus strand). Cytogenetic location: 15q21.1.
Variant type: single nucleotide variant.
Coding change: c.3176C>T on transcript NM_025137.4 (MANE Select); coding-DNA position 3176, C replaced by T.
Protein change: p.Ala1059Val; replaces alanine 1059 with valine.
Molecular consequence: missense variant.
Genome position (GRCh38, 1-based): chr15:44,610,955, G>A on the plus strand (C>T on the coding strand, the complement: SPG11 is on the minus strand). VCF-style: chr15-44610955-G-A. GRCh37 (hg19) VCF-style: chr15-44903153-G-A.
Other names: c.3176C>T, p.Ala1059Val (NM_001160227.2); short protein forms A1059V.
Identifiers: ClinVar variation 316096 (VCV000316096.8), dbSNP rs759301637, ClinGen allele CA7535032.

ClinVar aggregate classification (germline): Uncertain significance. Review status: criteria provided, multiple submitters, no conflicts (2 of 4 stars). 2 submissions from 2 submitters: Uncertain significance (2). Last evaluated 2025-08-29.

Conditions:
Hereditary spastic paraplegia 11. Also called: SPASTIC PARAPLEGIA, AUTOSOMAL RECESSIVE, COMPLICATED, WITH THIN CORPUS CALLOSUM; SPASTIC PARAPLEGIA, AUTOSOMAL RECESSIVE, WITH MENTAL IMPAIRMENT AND THIN CORPUS CALLOSUM; Nakamura Osame syndrome; Autosomal recessive hereditary spastic paraplegia, mental impairment, and thin corpus callosum; Spastic paraplegia, mental retardation and thin corpus callosum; Spastic Paraplegia 11. Identifiers: Orphanet 2822, MedGen C1858479, MONDO:0011445, OMIM 604360.

Allele frequency attached by ClinVar (database versions not stated): ExAC 0.00002; gnomAD exomes 0.00003.
gnomAD v4.1: 6 of 1,613,932 alleles (0.00037%); highest among the groups gnomAD compares: Admixed American, 0.01%; no homozygotes.

Submissions (3):

Labcorp Genetics (formerly Invitae), Labcorp
Classification: Uncertain significance for Hereditary spastic paraplegia 11. Last evaluated: 2025-08-29. Review status: criteria provided, single submitter. Criteria: Invitae Variant Classification Sherloc (09022015). Collection method: clinical testing. Allele origin: germline.
Comment: This sequence change replaces alanine, which is neutral and non-polar, with valine, which is neutral and non-polar, at codon 1059 of the SPG11 protein (p.Ala1059Val). This variant is present in population databases (rs759301637, gnomAD 0.02%). This variant has not been reported in the literature in individuals affected with SPG11-related conditions. ClinVar contains an entry for this variant (Variation ID: 316096). Invitae Evidence Modeling of protein sequence and biophysical properties (such as structural, functional, and spatial information, amino acid conservation, physicochemical variation, residue mobility, and thermodynamic stability) indicates that this missense variant is expected to disrupt SPG11 protein function with a positive predictive value of 80%. In summary, the available evidence is currently insufficient to determine the role of this variant in disease. Therefore, it has been classified as a Variant of Uncertain Significance.

Illumina Laboratory Services, Illumina
Classification: Uncertain significance for Hereditary spastic paraplegia 11. Last evaluated: 2018-01-12. Review status: criteria provided, single submitter. Criteria: ICSL Variant Classification Criteria 13 December 2019. Collection method: clinical testing. Allele origin: germline.

Dr. Peter K. Rogan Lab, Western University
No classification provided (evidence only). Condition: Familial cancer of breast. Review status: no classification provided. Collection method: in vitro. Allele origin: not applicable. Functional consequence: skipped exon, retained intron. Not counted in ClinVar's aggregate classification.